The following is an entry in ClinVar:

ClinVar aggregate classification (germline): Conflicting classifications of pathogenicity. Review status: criteria provided, conflicting classifications (1 of 4 stars). 2 submissions from 2 submitters: Uncertain significance (1); Likely benign (1). Last evaluated 2025-12-27.

Conditions:
Cardiovascular phenotype. Identifiers: MedGen CN230736.
Hereditary cancer-predisposing syndrome. Also called: Hereditary Cancer Syndrome; Neoplastic Syndromes, Hereditary; Tumor predisposition; Hereditary neoplastic syndrome. Identifiers: Orphanet 140162, MedGen C0027672, MeSH D009386, MONDO:0015356.
Neurofibromatosis, type 1 (NF1). Also called: NEUROFIBROMATOSIS, TYPE I, SOMATIC; Neurofibromatosis, type I; VON RECKLINGHAUSEN DISEASE; Peripheral type neurofibromatosis. Identifiers: Orphanet 636, MedGen C0027831, MONDO:0018975, OMIM 162200. Disease mechanism: loss of function.

gnomAD v4.1: 1 of 1,614,050 alleles (0.000062%); highest among the groups gnomAD compares: Non-Finnish European, 0.000085%; no homozygotes.

Submissions (2):

Labcorp Genetics (formerly Invitae), Labcorp
Classification: Uncertain significance for Neurofibromatosis, type 1. Last evaluated: 2025-12-27. Review status: criteria provided, single submitter. Criteria: Invitae Variant Classification Sherloc (09022015). Collection method: clinical testing. Allele origin: germline.
Comment: This sequence change replaces alanine, which is neutral and non-polar, with threonine, which is neutral and polar, at codon 2744 of the NF1 protein (p.Ala2744Thr). This variant is not present in population databases (gnomAD no frequency). This variant has not been reported in the literature in individuals affected with NF1-related conditions. ClinVar contains an entry for this variant (Variation ID: 3706404). Invitae Evidence Modeling of protein sequence and biophysical properties (such as structural, functional, and spatial information, amino acid conservation, physicochemical variation, residue mobility, and thermodynamic stability) indicates that this missense variant is not expected to disrupt NF1 protein function with a negative predictive value of 95%. In summary, the available evidence is currently insufficient to determine the role of this variant in disease. Therefore, it has been classified as a Variant of Uncertain Significance.

Ambry Genetics
Classification: Likely benign for Cardiovascular phenotype; Hereditary cancer-predisposing syndrome. Last evaluated: 2024-12-18. Review status: criteria provided, single submitter. Criteria: Ambry Variant Classification Scheme 2023. Collection method: clinical testing. Allele origin: germline.

NM_001042492.3(NF1):c.8293G>A (p.Ala2765Thr)

Gene: NF1 (neurofibromin 1; plus strand). Cytogenetic location: 17q11.2.
Variant type: single nucleotide variant.
Coding change: c.8293G>A on transcript NM_001042492.3 (MANE Select); coding-DNA position 8293, G replaced by A.
Protein change: p.Ala2765Thr; replaces alanine 2765 with threonine.
Molecular consequence: missense variant.
Genome position (GRCh38, 1-based): chr17:31,360,619, G>A. VCF-style: chr17-31360619-G-A. GRCh37 (hg19) VCF-style: chr17-29687637-G-A.
Other names: c.8230G>A, p.Ala2744Thr (NM_000267.4); short protein forms A2744T, A2765T.
Identifiers: ClinVar variation 3706404 (VCV003706404.3).